The following is an entry in ClinVar:

ClinVar aggregate classification (germline): Uncertain significance (1 of 4 stars; one submission).

Conditions:
Fanconi anemia complementation group O. Also called: RAD51C-Related Fanconi Anemia. Identifiers: Orphanet 84, MedGen C3150653, MONDO:0013248, OMIM 613390.

Submission:

Labcorp Genetics (formerly Invitae), Labcorp
Classification: Uncertain significance for Fanconi anemia complementation group O. Last evaluated: 2021-11-15. Review status: criteria provided, single submitter. Criteria: Invitae Variant Classification Sherloc (09022015). Collection method: clinical testing. Allele origin: germline.
Comment: In summary, the available evidence is currently insufficient to determine the role of this variant in disease. Therefore, it has been classified as a Variant of Uncertain Significance. Algorithms developed to predict the effect of missense changes on protein structure and function (SIFT, PolyPhen-2, Align-GVGD) all suggest that this variant is likely to be tolerated. This sequence change replaces histidine, which is basic and polar, with aspartic acid, which is acidic and polar, at codon 250 of the RAD51C protein (p.His250Asp). This variant is not present in population databases (gnomAD no frequency). This variant has not been reported in the literature in individuals affected with RAD51C-related conditions. ClinVar contains an entry for this variant (Variation ID: 958054).

NM_058216.3(RAD51C):c.748C>G (p.His250Asp)

Gene: RAD51C (RAD51 paralog C; plus strand). Cytogenetic location: 17q22.
Variant type: single nucleotide variant.
Coding change: c.748C>G on transcript NM_058216.3 (MANE Select); coding-DNA position 748, C replaced by G.
Protein change: p.His250Asp; replaces histidine 250 with aspartic acid.
Molecular consequence: missense variant. On other transcripts: non-coding transcript variant (1).
Genome position (GRCh38, 1-based): chr17:58,709,901, C>G. VCF-style: chr17-58709901-C-G. GRCh37 (hg19) VCF-style: chr17-56787262-C-G.
Other names: short protein forms H250D.
Identifiers: ClinVar variation 958054 (VCV000958054.7), dbSNP rs531540031, ClinGen allele CA400353538.
Genomic context (GRCh38, chr17:58,709,901, plus strand): 5'-TATCTCTTCTGTATTTAGGTTCGACTAGTGATAGTGGATGGTATTGCTTTTCCATTTCGT[C>G]ATGACCTAGATGACCTGTCTCTTCGTACTCGGTTATTAAATGGCCTAGCCCAGCAAATGA-3'
Protein context (NP_478123.1, residues 240-260): IVDGIAFPFR[His250Asp]DLDDLSLRTR